The following is an entry in ClinVar:

ClinVar aggregate classification (germline): Uncertain significance (1 of 4 stars; one submission).

Submission:

Labcorp Genetics (formerly Invitae), Labcorp
Classification: Uncertain significance. Last evaluated: 2021-10-21. Review status: criteria provided, single submitter. Criteria: Invitae Variant Classification Sherloc (09022015). Collection method: clinical testing. Allele origin: germline.
Comment: In summary, the available evidence is currently insufficient to determine the role of this variant in disease. Therefore, it has been classified as a Variant of Uncertain Significance. Algorithms developed to predict the effect of missense changes on protein structure and function (SIFT, PolyPhen-2, Align-GVGD) all suggest that this variant is likely to be disruptive. This variant has not been reported in the literature in individuals affected with IFT74-related conditions. This variant is not present in population databases (gnomAD no frequency). This sequence change replaces threonine, which is neutral and polar, with lysine, which is basic and polar, at codon 73 of the IFT74 protein (p.Thr73Lys).

NM_025103.4(IFT74):c.218C>A (p.Thr73Lys)

Gene: IFT74 (intraflagellar transport 74; plus strand). Cytogenetic location: 9p21.2.
Variant type: single nucleotide variant.
Coding change: c.218C>A on transcript NM_025103.4 (MANE Select); coding-DNA position 218, C replaced by A.
Protein change: p.Thr73Lys; replaces threonine 73 with lysine.
Molecular consequence: missense variant.
Genome position (GRCh38, 1-based): chr9:26,978,225, C>A. VCF-style: chr9-26978225-C-A. GRCh37 (hg19) VCF-style: chr9-26978223-C-A.
Other names: c.218C>A, p.Thr73Lys (NM_001099222.3, NM_001099223.3, NM_001099224.3 and 1 more transcripts); short protein forms T73K.
Identifiers: ClinVar variation 1361048 (VCV001361048.6), dbSNP rs779059979, ClinGen allele CA373124060.